The following is an entry in ClinVar:

NM_058195.4(CDKN2A):c.127G>C (p.Val43Leu)

Gene: CDKN2A (cyclin dependent kinase inhibitor 2A; minus strand). Cytogenetic location: 9p21.3.
Variant type: single nucleotide variant.
Coding change: c.127G>C on transcript NM_058195.4 (MANE Plus Clinical); coding-DNA position 127, G replaced by C.
Protein change: p.Val43Leu; replaces valine 43 with leucine.
Molecular consequence: missense variant. On other transcripts: intron variant (1).
Genome position (GRCh38, 1-based): chr9:21,994,205, C>G on the plus strand (G>C on the coding strand, the complement: CDKN2A is on the minus strand). VCF-style: chr9-21994205-C-G. GRCh37 (hg19) VCF-style: chr9-21994204-C-G.
Other names: c.-4+616G>C (NM_001363763.2); short protein forms V43L.
Identifiers: ClinVar variation 959875 (VCV000959875.8), dbSNP rs1820529552, ClinGen allele CA373086893.
Genomic context (GRCh38, chr9:21,994,205, plus strand): 5'-TTCTAGGAAGCGGCTGCTGCCCTAGACGCTGGCTCCTCAGTAGCATCAGCACGAGGGCCA[C>G]AGCGGCGGGCGCCCCTGGCGCTGCCCACTCCCCCGTGAGCCGCGGGATGTGAACCACGAA-3'
Protein context (NP_478102.2, residues 33-53): EWAAPGAPAA[Val43Leu]ALVLMLLRSQ

ClinVar aggregate classification (germline): Uncertain significance. Review status: criteria provided, multiple submitters, no conflicts (2 of 4 stars). 3 submissions from 3 submitters: Uncertain significance (3). Last evaluated 2025-10-22.

Conditions:
Hereditary cancer-predisposing syndrome. Also called: Tumor predisposition; Neoplastic Syndromes, Hereditary; Hereditary neoplastic syndrome; Hereditary Cancer Syndrome. Identifiers: Orphanet 140162, MedGen C0027672, MeSH D009386, MONDO:0015356.
Familial melanoma. Also called: Hereditary melanoma; Hereditary cutaneous melanoma. Identifiers: Orphanet 618, MedGen C1512419, MONDO:0018961.

Submissions (3):

Ambry Genetics
Classification: Uncertain significance for Hereditary cancer-predisposing syndrome. Last evaluated: 2025-10-22. Review status: criteria provided, single submitter. Criteria: Ambry Variant Classification Scheme 2023. Collection method: clinical testing. Allele origin: germline.
Comment: The p.V43L variant (also known as c.127G>C), located in coding exon 1 of the CDKN2A gene, results from a G to C substitution at nucleotide position 127. The valine at codon 43 is replaced by leucine, an amino acid with highly similar properties. This amino acid position is poorly conserved in available vertebrate species. In addition, this alteration is predicted to be tolerated by in silico analysis. Based on the available evidence, the clinical significance of this variant remains unclear.

GeneDx
Classification: Uncertain significance. Last evaluated: 2023-03-23. Review status: criteria provided, single submitter. Criteria: GeneDx Variant Classification Process June 2021. Collection method: clinical testing. Allele origin: germline. Affected: yes.
Comment: Not observed at significant frequency in large population cohorts (gnomAD); In silico analysis supports that this missense variant does not alter protein structure/function; Observed in an individual with multiple primary melanomas; however, the variant did not segregate with disease in the family (de Avila et al., 2014); This variant is associated with the following publications: (PMID: 9653180, 9529249, 16173922, 26681309, 25023876)

Labcorp Genetics (formerly Invitae), Labcorp
Classification: Uncertain significance for Familial melanoma. Last evaluated: 2021-08-12. Review status: criteria provided, single submitter. Criteria: Invitae Variant Classification Sherloc (09022015). Collection method: clinical testing. Allele origin: germline.